The following is an entry in ClinVar:

NM_007294.4(BRCA1):c.5406+16C>T

Gene: BRCA1 (BRCA1 DNA repair associated; minus strand). Cytogenetic location: 17q21.31.
Variant type: single nucleotide variant.
Coding change: c.5406+16C>T on transcript NM_007294.4 (MANE Select); 16 bases into the intron after coding-DNA position 5406, C replaced by T.
Molecular consequence: intron variant.
Genome position (GRCh38, 1-based): chr17:43,049,105, G>A on the plus strand (C>T on the coding strand, the complement: BRCA1 is on the minus strand). VCF-style: chr17-43049105-G-A. GRCh37 (hg19) VCF-style: chr17-41201122-G-A.
Other names: c.5403+16C>T (NM_001407621.1, NM_001407613.1, NM_001407618.1 and 14 more transcripts); c.5406+16C>T (NM_001407593.1, NM_001407603.1, NM_001407598.1 and 5 more transcripts); c.1953+16C>T (NM_001408458.1, NM_001408461.1, NM_001408464.1 and 7 more transcripts); c.4515+16C>T (NM_001407967.1); c.5025+16C>T (NM_001407959.1); c.5139+16C>T (NM_001407931.1, NM_001407932.1, NM_001407928.1 and 4 more transcripts); c.5262+16C>T (NM_001407747.1, NM_001407745.1, NM_001407737.1 and 18 more transcripts); c.5022+16C>T (NM_001407962.1, NM_001407960.1); and 84 more.
Identifiers: ClinVar variation 865445 (VCV000865445.3), dbSNP rs778962676, ClinGen allele CA054840.

Conditions:
Breast-ovarian cancer, familial, susceptibility to, 1 (BROVCA1). Also called: BRCA1 Hereditary Breast and Ovarian Cancer; OVARIAN CANCER, SUSCEPTIBILITY TO. Identifiers: Orphanet 145, MedGen C2676676, MONDO:0011450, OMIM 604370. Disease mechanism: loss of function.

Allele frequency attached by ClinVar (database versions not stated): gnomAD exomes below 0.00001 and 0.00001; ExAC 0.00002.
gnomAD v4.1: 2 of 1,611,368 alleles (0.00012%); highest among the groups gnomAD compares: Non-Finnish European, 0.00017%; no homozygotes.

Submission:

Brotman Baty Institute, University of Washington
No classification provided (evidence only). Condition: Breast-ovarian cancer, familial 1. Review status: no classification provided. Collection method: in vitro. Allele origin: not applicable. Functional consequence: functionally_normal.
ClinVar note: "not provided" was previously submitted as the classification for the variant. However, the classification appeared to be based only on an observation of functional data so it was converted to no classification on 2025-07-30.